The following is an entry in ClinVar:

NM_147127.5(EVC2):c.2148_2149dup (p.His717fs)

Gene: EVC2 (EvC ciliary complex subunit 2; minus strand). Cytogenetic location: 4p16.2.
Variant type: Duplication.
Coding change: c.2148_2149dup on transcript NM_147127.5 (MANE Select); coding-DNA positions 2148 to 2149, 2 bases duplicated (GC; older notation c.2148_2149dupGC).
Protein change: p.His717fs; shifts the reading frame from histidine 717.
Molecular consequence: frameshift variant.
Genome position (GRCh38, 1-based): chr4:5,622,889-5,622,890, GC duplicated on the plus strand (GC on the coding strand, the reverse complement: EVC2 is on the minus strand). VCF-style (leftmost placement, unchanged base first): chr4-5622888-T-TGC. GRCh37 (hg19) VCF-style: chr4-5624615-T-TGC.
Other names: c.1908_1909dup, p.His637fs (NM_001166136.2); short protein forms H717fs, H637fs.
Identifiers: ClinVar variation 2944613 (VCV002944613.3), dbSNP rs2475376224, ClinGen allele CA2740091135.

ClinVar aggregate classification (germline): Pathogenic (1 of 4 stars; one submission).

Conditions:
Curry-Hall syndrome (WAD). Also called: WEYERS ACRODENTAL DYSOSTOSIS. Identifiers: Orphanet 952, MedGen C0457013, MONDO:0008673, OMIM 193530.
Ellis-van Creveld syndrome (EVC). Also called: EVC-Related Ellis-van Creveld Syndrome; EVC2-Related Ellis-van Creveld Syndrome; MESOECTODERMAL DYSPLASIA; Chondroectodermal dysplasia. Identifiers: Orphanet 289, MedGen C0013903, MONDO:0009162, OMIM 225500.

Submission:

Labcorp Genetics (formerly Invitae), Labcorp
Classification: Pathogenic for Curry-Hall syndrome; Ellis-van Creveld syndrome. Last evaluated: 2023-02-22. Review status: criteria provided, single submitter. Criteria: Invitae Variant Classification Sherloc (09022015). Collection method: clinical testing. Allele origin: germline.
Comment: For these reasons, this variant has been classified as Pathogenic. This variant has not been reported in the literature in individuals affected with EVC2-related conditions. This variant is not present in population databases (gnomAD no frequency). This sequence change creates a premature translational stop signal (p.His717Argfs*24) in the EVC2 gene. It is expected to result in an absent or disrupted protein product. Loss-of-function variants in EVC2 are known to be pathogenic (PMID: 17024374, 19810119, 19876929).

Literature cited by the submitters: PubMed 17024374; PubMed 19810119; PubMed 19876929.